The following is an entry in ClinVar:

ClinVar aggregate classification (germline): Conflicting classifications of pathogenicity. Review status: criteria provided, conflicting classifications (1 of 4 stars). 8 submissions from 8 submitters: Uncertain significance (6); Likely benign (2). Last evaluated 2026-06-16.

Conditions:
Cardiovascular phenotype. Identifiers: MedGen CN230736.
TTN-related disorder. Also called: TTN-related condition; TTN-related disease; TTN-related disorders.
Autosomal recessive limb-girdle muscular dystrophy type 2J (LGMDR10). Also called: MUSCULAR DYSTROPHY, LIMB-GIRDLE, AUTOSOMAL RECESSIVE 10; Limb-girdle muscular dystrophy, type 2J. Identifiers: Orphanet 140922, MedGen C1837342, MONDO:0012127, OMIM 608807.
Hypertrophic cardiomyopathy 9. Also called: Familial hypertrophic cardiomyopathy 9. Identifiers: MedGen C1861065, MONDO:0013412, OMIM 613765.
Early-onset myopathy with fatal cardiomyopathy (CMYO5). Also called: CONGENITAL MYOPATHY 5 WITH CARDIOMYOPATHY; Salih Myopathy. Identifiers: Orphanet 289377, MedGen C2673677, MONDO:0012714, OMIM 611705. Disease mechanism: loss of function.
Dilated cardiomyopathy 1G (CMD1G). Identifiers: Orphanet 154, MedGen C1858763, MONDO:0011400, OMIM 604145.
Myopathy, myofibrillar, 9, with early respiratory failure (MFM9). Also called: Myopathy, distal, with early respiratory failure, autosomal dominant; EDSTROM MYOPATHY; MYOPATHY, PROXIMAL, WITH EARLY RESPIRATORY MUSCLE INVOLVEMENT; Hereditary myopathy with early respiratory failure. Identifiers: Orphanet 178464, Orphanet 34521, MedGen C1863599, MONDO:0011362, OMIM 603689.
Tibial muscular dystrophy (TMD). Also called: Tibial muscular dystrophy, tardive; UDD MYOPATHY; Udd Distal Myopathy – Tibial Muscular Dystrophy. Identifiers: Orphanet 609, MedGen C1838244, MONDO:0010870, OMIM 600334.

Allele frequency attached by ClinVar (database versions not stated): ExAC 0.00003; gnomAD 0.00005 and 0.00006; gnomAD exomes 0.00005 and 0.00009; TOPMed 0.00006.
gnomAD v4.1: 132 of 1,613,062 alleles (0.0082%); highest among the groups gnomAD compares: Non-Finnish European, 0.011%; no homozygotes.

Submissions (8):

PreventionGenetics, part of Exact Sciences
Classification: Uncertain significance for TTN-related condition. Last evaluated: 2026-06-16. Review status: criteria provided, single submitter. Criteria: ACMG Guidelines, 2015. Collection method: clinical testing. Allele origin: germline.
Comment: The TTN c.67014C>A variant is predicted to result in the amino acid substitution p.Asn22338Lys. To our knowledge, this variant has not been reported in the literature. This variant is reported in 0.011% of alleles in individuals of European (Non-Finnish) descent in gnomAD. At this time, the clinical significance of this variant is uncertain due to the absence of conclusive functional and genetic evidence.

Blueprint Genetics
Classification: Likely benign. Last evaluated: 2024-10-09. Review status: criteria provided, single submitter. Criteria: ACMG Guidelines, 2015. Collection method: clinical testing. Allele origin: germline.

Fulgent Genetics
Classification: Uncertain significance for Tibial muscular dystrophy; Myopathy, myofibrillar, 9, with early respiratory failure; Dilated cardiomyopathy 1G; Autosomal recessive limb-girdle muscular dystrophy type 2J; Early-onset myopathy with fatal cardiomyopathy; Hypertrophic cardiomyopathy 9. Last evaluated: 2024-01-23. Review status: criteria provided, single submitter. Criteria: ACMG Guidelines, 2015. Collection method: clinical testing. Allele origin: germline.

Women's Health and Genetics/Laboratory Corporation of America, LabCorp
Classification: Uncertain significance. Last evaluated: 2021-11-07. Review status: criteria provided, single submitter. Criteria: LabCorp Variant Classification Summary - May 2015. Collection method: clinical testing. Allele origin: germline.

Revvity Omics, Revvity
Classification: Uncertain significance. Last evaluated: 2021-03-09. Review status: criteria provided, single submitter. Criteria: ACMG Guidelines, 2015. Collection method: clinical testing. Allele origin: germline.

ARUP Laboratories, Molecular Genetics and Genomics, ARUP Laboratories
Classification: Uncertain significance. Last evaluated: 2019-07-26. Review status: criteria provided, single submitter. Criteria: ARUP Molecular Germline Variant Investigation Process. Collection method: clinical testing. Allele origin: germline.
Comment: The TTN c.67014C>A; p.Asn22338Lys variant (rs761241302; ClinVar Variation ID: 263570) is rare in the general population (<1% allele frequency in the Genome Aggregation Database) and has not been reported in the medical literature in association with dilated cardiomyopathy (DCM) or other TTN-related disease. The clinical relevance of rare missense variants in this gene, which are identified on average once per individual sequenced in affected populations (Herman 2012), is not well understood. Yet, evidence suggests that the vast majority of such missense variants do not contribute to the clinical outcome of DCM (Begay 2015). Thus, the clinical significance of the p.Asn22338Lys variant cannot be determined with certainty.

GeneDx
Classification: Likely benign. Last evaluated: 2018-08-14. Review status: criteria provided, single submitter. Criteria: GeneDx Variant Classification Process June 2021. Collection method: clinical testing. Allele origin: germline. Affected: yes.

Ambry Genetics
Classification: Uncertain significance for Cardiovascular phenotype. Last evaluated: 2013-04-01. Review status: criteria provided, single submitter. Criteria: Ambry Autosomal Dominant and X-Linked criteria (10/2015). Collection method: clinical testing. Allele origin: germline. Observed: 1 variant allele.
Comment: There is insufficient or conflicting evidence for classification of this alteration.

NM_001267550.2(TTN):c.67014C>A (p.Asn22338Lys)

Genes: TTN (titin; minus strand), TTN-AS1 (TTN antisense RNA 1; plus strand). Cytogenetic location: 2q31.2.
Variant type: single nucleotide variant.
Coding change: c.67014C>A on transcript NM_001267550.2 (MANE Select); coding-DNA position 67014, C replaced by A.
Protein change: p.Asn22338Lys; replaces asparagine 22338 with lysine.
Molecular consequence: missense variant.
Genome position (GRCh38, 1-based): chr2:178,580,365, G>T on the plus strand (C>A on the coding strand, the complement: TTN is on the minus strand). VCF-style: chr2-178580365-G-T. GRCh37 (hg19) VCF-style: chr2-179445092-G-T.
Other names: c.62091C>A, p.Asn20697Lys (NM_001256850.1); c.39819C>A, p.Asn13273Lys (NM_003319.4); c.59310C>A, p.Asn19770Lys (NM_133378.4); c.40194C>A, p.Asn13398Lys (NM_133432.3); c.40395C>A, p.Asn13465Lys (NM_133437.4); short protein forms N19770K, N22338K, N13465K, N20697K, N13273K, N13398K.
Identifiers: ClinVar variation 263570 (VCV000263570.21), dbSNP rs761241302, ClinGen allele CA1991386.